The following is an entry in ClinVar:

ClinVar aggregate classification (germline): Pathogenic. Review status: criteria provided, multiple submitters, no conflicts (2 of 4 stars). 6 submissions from 6 submitters: Pathogenic (5). 1 of the submissions does not count toward it. Last evaluated 2025-08-04.

Conditions:
Heinz body anemia. Also called: Heinz body hemolytic anemia. Identifiers: Orphanet 178330, MedGen C0700299, MONDO:0007705, OMIM 140700, HP:0005511.
Hb SS disease (SCD). Also called: Hemoglobin SS; Sickle cell anemia; Sickle cell disease; HbS disease; Hemoglobin S Disease; Sickling disorder due to hemoglobin S. Identifiers: Orphanet 232, Orphanet 275752, MedGen C0002895, MONDO:0011382, OMIM 603903.
METHEMOGLOBINEMIA, BETA TYPE. Also called: Methemoglobinemia, beta-globin type. Identifiers: MedGen C1840779, OMIM 617971.
Hereditary persistence of fetal hemoglobin. Identifiers: MedGen C0019025, MONDO:0020989, OMIM 141749.
Beta-thalassemia HBB/LCRB. Identifiers: MedGen CN322236, MONDO:0013517, OMIM 613985.
Dominant beta-thalassemia. Also called: Beta-thalassemia, dominant inclusion body type. Identifiers: Orphanet 231226, Orphanet 848, MedGen C1858990, MONDO:0011381, OMIM 603902.
Malaria, susceptibility to. Identifiers: Orphanet 673, MedGen C1970028, MONDO:0021024, OMIM 611162.
Erythrocytosis, familial, 6. Also called: ERYTHROCYTOSIS, BETA-GLOBIN TYPE; POLYCYTHEMIA, BETA-GLOBIN TYPE. Identifiers: MedGen C4693822, MONDO:0054801, OMIM 617980.
Hemoglobinopathy. Also called: Haemoglobinopathies; Hemoglobin disorder. Identifiers: MedGen C0019045, MONDO:0044348.
beta Thalassemia (BTHAL). Also called: Cooley's anemia; Erythroblastic anemia; Mediterranean anemia. Identifiers: Orphanet 848, MedGen C0005283, MONDO:0019402. Disease mechanism: loss of function.

Submissions (6):

Natera, Inc.
Classification: Pathogenic for Beta thalassemia. Last evaluated: 2025-08-04. Review status: criteria provided, single submitter. Criteria: Natera Variant Classification Schema (03/2026). Collection method: clinical testing. Allele origin: germline.
Comment: The c.1A>G variant in HBB is predicted to result in start loss due to disruption of the initiator methionine. This variant is expected to result in nonsense mediated decay, truncation, or a dysfunctional protein product. This variant is rare in the general population with a frequency below the threshold expected for the associated phenotype(s). This variant has been observed in affected individual(s) with monoallelic occurrence (heterozygous/hemizygous) (PMID: 1686262, 35402459). Given the available evidence, this variant is classified as Pathogenic.

Fulgent Genetics
Classification: Pathogenic for Heinz body anemia; Hereditary persistence of fetal hemoglobin; Dominant beta-thalassemia; Hb SS disease; Malaria, susceptibility to; Beta-thalassemia HBB/LCRB; METHEMOGLOBINEMIA, BETA TYPE; Erythrocytosis, familial, 6. Last evaluated: 2024-03-25. Review status: criteria provided, single submitter. Criteria: ACMG Guidelines, 2015. Collection method: clinical testing. Allele origin: germline.

ARUP Laboratories, Molecular Genetics and Genomics, ARUP Laboratories
Classification: Pathogenic. Last evaluated: 2023-06-01. Review status: criteria provided, single submitter. Criteria: ARUP Molecular Germline Variant Investigation Process 2024. Collection method: clinical testing. Allele origin: germline.
Comment: The HBB c.1A>G; p.Met1? variant (rs34563000), also known as Met1Val or initiation codon ATG->GTG, is reported in the literature in several heterozygous individuals affected with beta-thalassemia minor (Liu 2011, Perea 2004, HbVar database and references therein). This variant is absent from general population databases (Exome Variant Server, Genome Aggregation Database), indicating it is not a common polymorphism. This variant disrupts the canonical translation initiation codon and is predicted to result in an aberrant or absent protein. Other variants that affect the HBB initiation codon have been reported in individuals with beta-thalassemia or microcytic anemia and are considered pathogenic (HbVar database and references therein). Based on available information, the c.1A>G variant is considered to be pathogenic. References: Link to c.1A>G in HbVar database: Liu SC et al. Molecular lesion frequency of hemoglobin gene disorders in Taiwan. Hemoglobin. 2011;35(3):228-36. Perea FJ et al. Molecular spectrum of beta-thalassemia in the Mexican population. Blood Cells Mol Dis. 2004 Sep-Oct;33(2):150-2.

Women's Health and Genetics/Laboratory Corporation of America, LabCorp
Classification: Pathogenic for Hemoglobinopathy. Last evaluated: 2018-02-09. Review status: criteria provided, single submitter. Criteria: LabCorp Variant Classification Summary - May 2015. Collection method: clinical testing. Allele origin: germline.
Comment: Variant summary: HBB c.1A>G alters the initiation codon (i.e. ATG coding for methionine to a triplet GTG coding for valine, so the predicted protein level name would be p.Met1Val), and it is expected that the next available, downstream ATG codon will be used as a translational start site. However, as it is out of frame (located at codons 21-22), this would result in a frameshift followed by an early termination (at the next in-frame stop codon 118 nucleotides downstream), likely leading to a missing/non-functional protein product (Hattori 1991). Two of four in-silico tools predict a benign effect of the variant on protein function. The variant was absent in 245874 control chromosomes. The c.1A>G variant has been reported in the literature in multiple individuals in the heterozygous state causing Beta Thalassemia Minor (e.g. Hattori 1991, Huisman 1997, Ohba 1997, Perea 2004, Liu 2011), however it is expected that in homozygosity and/or compound heterozygosity with a severe variant, this variant is likely to cause the BTHAL MJR phenotype. Other changes affecting the initiation codon (such as: c.2T>G (p.Met1Arg), c.2T>C (p.Met1Thr), c.3G>A (p.Met1Ile)) have also been found in HBB patients (source: HGMD). These data indicate that the variant is very likely to be associated with disease. To our knowledge, no experimental evidence demonstrating an impact on protein function has been reported. One clinical diagnostic laboratory has submitted clinical-significance assessments for this variant to ClinVar after 2014, without evidence for independent evaluation, and classified the variant as pathogenic. Based on the evidence outlined above, the variant was classified as pathogenic.

Quest Diagnostics Nichols Institute San Juan Capistrano
Classification: Pathogenic. Last evaluated: 2017-06-22. Review status: criteria provided, single submitter. Criteria: Quest Diagnostics criteria. Collection method: clinical testing. Allele origin: germline.

The ITHANET community portal, The Cyprus Institute of Neurology and Genetics
Classification: Pathogenic for beta Thalassemia. Last evaluated: 2019-11-25. Review status: no assertion criteria provided. Collection method: curation. Allele origin: germline. Not counted in ClinVar's aggregate classification.

Literature cited by the submitters: PubMed 1686262 (cited by 4 submitters); PubMed 35402459 (cited by Natera, Inc.); PubMed 15315794 (cited by Women's Health and Genetics/Laboratory Corporation of America, LabCorp and Quest Diagnostics Nichols Institute San Juan Capistrano); PubMed 9101288 (cited by Women's Health and Genetics/Laboratory Corporation of America, LabCorp); PubMed 21599435 (cited by Women's Health and Genetics/Laboratory Corporation of America, LabCorp); PubMed 9401495 (cited by Women's Health and Genetics/Laboratory Corporation of America, LabCorp); PubMed 8225319 (cited by Quest Diagnostics Nichols Institute San Juan Capistrano); PubMed 19429541 (cited by Quest Diagnostics Nichols Institute San Juan Capistrano); PubMed 28603845 (cited by Quest Diagnostics Nichols Institute San Juan Capistrano).

NM_000518.5(HBB):c.1A>G (p.Met1Val)

Genes: HBB (hemoglobin subunit beta; minus strand), LOC106099062 (HBB recombination region; plus strand), LOC107133510 (origin of replication at HBB; plus strand). Cytogenetic location: 11p15.4.
Variant type: single nucleotide variant.
Coding change: c.1A>G on transcript NM_000518.5 (MANE Select); coding-DNA position 1, A replaced by G.
Protein change: p.Met1Val; changes the start codon (methionine 1).
Molecular consequence: missense variant, initiator codon variant.
Genome position (GRCh38, 1-based): chr11:5,227,021, T>C on the plus strand (A>G on the coding strand, the complement: HBB is on the minus strand). VCF-style: chr11-5227021-T-C. GRCh37 (hg19) VCF-style: chr11-5248251-T-C.
Other names: Init CD ATG>GTG; short protein forms M1V.
Identifiers: ClinVar variation 439140 (VCV000439140.27), dbSNP rs34563000, ClinGen allele CA217115654.